The following is an entry in ClinVar:

NM_006514.4(SCN10A):c.599+7AT[3]

Gene: SCN10A (sodium voltage-gated channel alpha subunit 10; minus strand). Cytogenetic location: 3p22.2.
Variant type: Microsatellite.
Coding change: c.599+7AT[3] on transcript NM_006514.4 (MANE Select); three copies in a row of the 2-base unit AT starting at c.599+7; the reference has two copies in a row; one copy, 2 bases duplicated.
Molecular consequence: intron variant.
Genome position (GRCh38, 1-based): chr3:38,771,269-38,771,270, AT duplicated on the plus strand (AT on the coding strand, the reverse complement: SCN10A is on the minus strand); duplicating any 2 consecutive bases within chr3:38,771,269-38,771,273 gives the same sequence; the position shown is the placement nearest the transcript's 3' end. VCF-style (leftmost placement, unchanged base first): chr3-38771268-G-GAT. GRCh37 (hg19) VCF-style: chr3-38812759-G-GAT.
Other names: c.599+7AT[3] (NM_001293307.2, NM_001293306.2); c.599+9_599+10dupAT (NM_006514.2).
Identifiers: ClinVar variation 514734 (VCV000514734.9), dbSNP rs750166682, ClinGen allele CA2321152.

ClinVar aggregate classification (germline): Likely benign. Review status: criteria provided, multiple submitters, no conflicts (2 of 4 stars). 3 submissions from 3 submitters: Likely benign (3). Last evaluated 2025-12-29.

Conditions:
Brugada syndrome. Also called: Sudden unexpected nocturnal death syndrome; Sudden Unexplained Death Syndrome; Sudden Unexplained Nocturnal Death Syndrome (SUNDS); Sudden unexplained nocturnal death syndrome. Identifiers: Orphanet 130, MedGen C1142166, MONDO:0015263.

Submissions (3):

Labcorp Genetics (formerly Invitae), Labcorp
Classification: Likely benign for Brugada syndrome. Last evaluated: 2025-12-29. Review status: criteria provided, single submitter. Criteria: Invitae Variant Classification Sherloc (09022015). Collection method: clinical testing. Allele origin: germline.

Blueprint Genetics
Classification: Likely benign. Last evaluated: 2024-06-26. Review status: criteria provided, single submitter. Criteria: ACMG Guidelines, 2015. Collection method: clinical testing. Allele origin: germline.

GeneDx
Classification: Likely benign. Last evaluated: 2018-01-22. Review status: criteria provided, single submitter. Criteria: GeneDx Variant Classification (06012015). Collection method: clinical testing. Allele origin: germline. Affected: yes.
Comment: This variant is considered likely benign or benign based on one or more of the following criteria: it is a conservative change, it occurs at a poorly conserved position in the protein, it is predicted to be benign by multiple in silico algorithms, and/or has population frequency not consistent with disease.